The following is an entry in ClinVar:

ClinVar aggregate classification (germline): Likely benign. Review status: criteria provided, multiple submitters, no conflicts (2 of 4 stars). 3 submissions from 3 submitters: Likely benign (3). Last evaluated 2025-11-12.

Allele frequency attached by ClinVar (database versions not stated): ExAC 0.00002; gnomAD 0.00001; ESP Exome Variant Server 0.00008; TOPMed 0.00002; gnomAD exomes 0.00001.

Submissions (3):

Labcorp Genetics (formerly Invitae), Labcorp
Classification: Likely benign. Last evaluated: 2025-11-12. Review status: criteria provided, single submitter. Criteria: Invitae Variant Classification Sherloc (09022015). Collection method: clinical testing. Allele origin: germline.

Blueprint Genetics
Classification: Likely benign. Last evaluated: 2021-10-04. Review status: criteria provided, single submitter. Criteria: ACMG Guidelines, 2015. Collection method: clinical testing. Allele origin: germline.

GeneDx
Classification: Likely benign. Last evaluated: 2016-03-30. Review status: criteria provided, single submitter. Criteria: GeneDx Variant Classification (06012015). Collection method: clinical testing. Allele origin: germline. Affected: yes.
Comment: This variant is considered likely benign or benign based on one or more of the following criteria: it is a conservative change, it occurs at a poorly conserved position in the protein, it is predicted to be benign by multiple in silico algorithms, and/or has population frequency not consistent with disease.

NM_001953.5(TYMP):c.1389C>T (p.Asp463=)

Genes: SCO2 (synthesis of cytochrome C oxidase 2; minus strand), TYMP (thymidine phosphorylase; minus strand), LOC130067862 (ATAC-STARR-seq lymphoblastoid silent region 13986; plus strand). Cytogenetic location: 22q13.33.
Variant type: single nucleotide variant.
Coding change: c.1389C>T on transcript NM_001953.5 (MANE Select); coding-DNA position 1389, C replaced by T.
Protein change: p.Asp463=; no amino-acid change (aspartic acid 463 retained).
Molecular consequence: synonymous variant. On other transcripts: intron variant (2).
Genome position (GRCh38, 1-based): chr22:50,525,830, G>A on the plus strand (C>T on the coding strand, the complement: TYMP is on the minus strand). VCF-style: chr22-50525830-G-A. GRCh37 (hg19) VCF-style: chr22-50964259-G-A.
Other names: c.1389C>T, p.Asp463= (NM_001113755.3, NM_001113756.3, NM_001257988.1); c.1404C>T, p.Asp468= (NM_001257989.1); c.-14+416C>T (NM_001169109.2); c.-14+171C>T (NM_001169110.1).
Identifiers: ClinVar variation 384577 (VCV000384577.11), dbSNP rs373893793, ClinGen allele CA10321413.